The following is an entry in ClinVar:

ClinVar aggregate classification (germline): Uncertain significance (1 of 4 stars; one submission).

gnomAD v4.1: 1 of 1,604,622 alleles (0.000062%); highest among the groups gnomAD compares: Non-Finnish European, 0.000085%; no homozygotes.

Submission:

Labcorp Genetics (formerly Invitae), Labcorp
Classification: Uncertain significance. Last evaluated: 2023-09-20. Review status: criteria provided, single submitter. Criteria: Invitae Variant Classification Sherloc (09022015). Collection method: clinical testing. Allele origin: germline.
Comment: Algorithms developed to predict the effect of sequence changes on RNA splicing suggest that this variant may disrupt the consensus splice site. In summary, the available evidence is currently insufficient to determine the role of this variant in disease. Therefore, it has been classified as a Variant of Uncertain Significance. This variant has not been reported in the literature in individuals affected with DUOX2-related conditions. This variant is not present in population databases (gnomAD no frequency). This sequence change affects codon 965 of the DUOX2 mRNA. It is a 'silent' change, meaning that it does not change the encoded amino acid sequence of the DUOX2 protein.

NM_001363711.2(DUOX2):c.2895G>T (p.Ser965=)

Gene: DUOX2 (dual oxidase 2; minus strand). Cytogenetic location: 15q21.1.
Variant type: single nucleotide variant.
Coding change: c.2895G>T on transcript NM_001363711.2 (MANE Select); coding-DNA position 2895, G replaced by T.
Protein change: p.Ser965=; no amino-acid change (serine 965 retained).
Molecular consequence: synonymous variant.
Genome position (GRCh38, 1-based): chr15:45,101,231, C>A on the plus strand (G>T on the coding strand, the complement: DUOX2 is on the minus strand). VCF-style: chr15-45101231-C-A. GRCh37 (hg19) VCF-style: chr15-45393429-C-A.
Other names: c.2895G>T, p.Ser965= (NM_014080.5).
Identifiers: ClinVar variation 2829793 (VCV002829793.3), dbSNP rs140446258, ClinGen allele CA490217718.